The following is an entry in ClinVar:

NM_000051.4(ATM):c.2452A>C (p.Ile818Leu)

Gene: ATM (ATM serine/threonine kinase; plus strand). Cytogenetic location: 11q22.3.
Variant type: single nucleotide variant.
Coding change: c.2452A>C on transcript NM_000051.4 (MANE Select); coding-DNA position 2452, A replaced by C.
Protein change: p.Ile818Leu; replaces isoleucine 818 with leucine.
Molecular consequence: missense variant.
Genome position (GRCh38, 1-based): chr11:108,259,061, A>C. VCF-style: chr11-108259061-A-C. GRCh37 (hg19) VCF-style: chr11-108129788-A-C.
Other names: c.2452A>C, p.Ile818Leu (NM_001351834.2); short protein forms I818L.
Identifiers: ClinVar variation 864265 (VCV000864265.13), dbSNP rs2080700458, ClinGen allele CA382541364.

ClinVar aggregate classification (germline): Uncertain significance. Review status: criteria provided, single submitter (1 of 4 stars). 2 submissions from 2 submitters: Uncertain significance (1). 1 of the submissions does not count toward it. Last evaluated 2024-03-06.

Conditions:
Ataxia-telangiectasia syndrome (AT). Also called: LOUIS-BAR SYNDROME; Ataxia telangiectasia (A-T); Ataxia-telangiectasia, complementation group D; Cerebello-oculocutaneous telangiectasia; Immunodeficiency with ataxia telangiectasia; Ataxia-telangiectasia. Identifiers: Orphanet 100, MedGen C0004135, MONDO:0008840, OMIM 208900.

Submissions (2):

Labcorp Genetics (formerly Invitae), Labcorp
Classification: Uncertain significance for Ataxia-telangiectasia syndrome. Last evaluated: 2024-03-06. Review status: criteria provided, single submitter. Criteria: Invitae Variant Classification Sherloc (09022015). Collection method: clinical testing. Allele origin: germline.
Comment: This sequence change replaces isoleucine, which is neutral and non-polar, with leucine, which is neutral and non-polar, at codon 818 of the ATM protein (p.Ile818Leu). This variant is not present in population databases (gnomAD no frequency). This variant has not been reported in the literature in individuals affected with ATM-related conditions. ClinVar contains an entry for this variant (Variation ID: 864265). An algorithm developed to predict the effect of missense changes on protein structure and function (PolyPhen-2) suggests that this variant is likely to be tolerated. In summary, the available evidence is currently insufficient to determine the role of this variant in disease. Therefore, it has been classified as a Variant of Uncertain Significance.

Natera, Inc.
Classification: Uncertain significance for Ataxia-telangiectasia. Last evaluated: 2020-07-23. Review status: no assertion criteria provided. Collection method: clinical testing. Allele origin: germline. Not counted in ClinVar's aggregate classification.